The following is an entry in ClinVar:

ClinVar aggregate classification (germline): Conflicting classifications of pathogenicity. Review status: criteria provided, conflicting classifications (1 of 4 stars). 5 submissions from 5 submitters: Likely pathogenic (4); Uncertain significance (1). Last evaluated 2026-01-11.

Conditions:
Werner syndrome (WRN). Identifiers: Orphanet 902, MedGen C0043119, MONDO:0010196, OMIM 277700.

Allele frequency attached by ClinVar (database versions not stated): gnomAD exomes below 0.00001 and 0.00001; TOPMed below 0.00001; ExAC 0.00001.
gnomAD v4.1: 10 of 1,612,806 alleles (0.00062%); highest among the groups gnomAD compares: Non-Finnish European, 0.00076%; no homozygotes.

Submissions (6):

Labcorp Genetics (formerly Invitae), Labcorp
Classification: Likely pathogenic for Werner syndrome. Last evaluated: 2026-01-11. Review status: criteria provided, single submitter. Criteria: Invitae Variant Classification Sherloc (09022015). Collection method: clinical testing. Allele origin: germline.
Comment: This sequence change affects a donor splice site in intron 16 of the WRN gene. RNA analysis indicates that disruption of this splice site induces altered splicing and likely results in a shortened protein product. This variant is present in population databases (rs772319506, gnomAD 0.002%). This variant has not been reported in the literature in individuals affected with WRN-related conditions. ClinVar contains an entry for this variant (Variation ID: 404044). Studies have shown that disruption of this splice site results in skipping of exon 16, but is expected to preserve the integrity of the reading-frame (internal data). In summary, the currently available evidence indicates that the variant is pathogenic, but additional data are needed to prove that conclusively. Therefore, this variant has been classified as Likely Pathogenic.

Dasa
Classification: Likely pathogenic. Last evaluated: 2025-05-20. Review status: criteria provided, single submitter. Criteria: DASA Assertion Criteria. Collection method: clinical testing. Allele origin: germline.
Comment: NM_000553.6(WRN):c.1898+2T>G affects a canonical splice site and is predicted to disrupt normal RNA splicing. Loss of function is an established disease mechanism for WRN-associated disorders. This variant has been reported in individuals with WRN-related disorders. Also, this variant is rare in population databases. Based on the currently available evidence, this variant is classified as likely pathogenic.

CeGaT Center for Human Genetics Tuebingen
Classification: Likely pathogenic. Last evaluated: 2024-07-01. Review status: criteria provided, single submitter. Criteria: CeGaT Center For Human Genetics Tuebingen Variant Classification Criteria Version 2. Collection method: clinical testing. Allele origin: germline. Affected: yes. Observed: 1 variant allele.
Comment: WRN: PVS1:Strong, PM2

Baylor Genetics
Classification: Uncertain significance for Werner syndrome. Last evaluated: 2023-09-08. Review status: criteria provided, single submitter. Criteria: ACMG Guidelines, 2015. Collection method: clinical testing. Allele origin: unknown.

Fulgent Genetics
Classification: Likely pathogenic for Werner syndrome. Last evaluated: 2022-04-19. Review status: criteria provided, single submitter. Criteria: ACMG Guidelines, 2015. Collection method: clinical testing. Allele origin: unknown.

Dr. Peter K. Rogan Lab, Western University
No classification provided (evidence only). Condition: Colorectal cancer. Review status: no classification provided. Collection method: in vitro. Allele origin: not applicable. Functional consequence: skipped exon. Not counted in ClinVar's aggregate classification.

NM_000553.6(WRN):c.1898+2T>G

Gene: WRN (WRN RecQ like helicase; plus strand). Cytogenetic location: 8p12.
Variant type: single nucleotide variant.
Coding change: c.1898+2T>G on transcript NM_000553.6 (MANE Select); the canonical splice donor site of the intron after coding-DNA position 1898, T replaced by G.
Molecular consequence: splice donor variant.
Genome position (GRCh38, 1-based): chr8:31,091,900, T>G. VCF-style: chr8-31091900-T-G. GRCh37 (hg19) VCF-style: chr8-30949416-T-G.
Identifiers: ClinVar variation 404044 (VCV000404044.33), dbSNP rs772319506, ClinGen allele CA4704521.